The following is an entry in ClinVar:

NM_000038.6(APC):c.835-4492C>A

Gene: APC (APC regulator of WNT signaling pathway; plus strand). Cytogenetic location: 5q22.2.
Variant type: single nucleotide variant.
Coding change: c.835-4492C>A on transcript NM_000038.6 (MANE Select); 4492 bases into the intron before coding-DNA position 835, C replaced by A.
Molecular consequence: intron variant.
Genome position (GRCh38, 1-based): chr5:112,811,003, C>A. VCF-style: chr5-112811003-C-A. GRCh37 (hg19) VCF-style: chr5-112146700-C-A.
Other names: c.835-4492C>A (NM_001354895.2, NM_001127510.3, NM_001354896.2 and 1 more transcripts); c.865-4492C>A (NM_001354897.2, NM_001354902.2); c.781-4492C>A (NM_001127511.3); c.760-4492C>A (NM_001354898.2, NM_001354904.2); c.-16+692C>A (NM_001354906.2); c.751-4492C>A (NM_001354899.2); c.658-4492C>A (NM_001354900.2, NM_001354901.2, NM_001354905.2).
Identifiers: ClinVar variation 83083 (VCV000083083.2), dbSNP rs76381429, ClinGen allele CA015229.

ClinVar aggregate classification (germline): other (0 of 4 stars; one submission).

Conditions:
Familial colorectal cancer. Identifiers: MedGen CN280943, MONDO:0023113. Disease mechanism: loss of function.

Submission:

Systems Biology Platform Zhejiang California International NanoSystems Institute
Classification: other for Familial colorectal cancer. Review status: no assertion criteria provided. Collection method: not provided. Allele origin: unknown.
ClinVar note: Converted during submission from cancer to other.